The following is an entry in ClinVar:

NM_000434.4(NEU1):c.45G>A (p.Trp15Ter)

Gene: NEU1 (neuraminidase 1; minus strand). Cytogenetic location: 6p21.33.
Variant type: single nucleotide variant.
Coding change: c.45G>A on transcript NM_000434.4 (MANE Select); coding-DNA position 45, G replaced by A.
Protein change: p.Trp15Ter; replaces tryptophan 15 with a stop codon.
Molecular consequence: nonsense.
Genome position (GRCh38, 1-based): chr6:31,862,732, C>T on the plus strand (G>A on the coding strand, the complement: NEU1 is on the minus strand). VCF-style: chr6-31862732-C-T. GRCh37 (hg19) VCF-style: chr6-31830509-C-T.
Other names: short protein forms W15*.
Identifiers: ClinVar variation 631977 (VCV000631977.13), dbSNP rs768711214, ClinGen allele CA3725112.

ClinVar aggregate classification (germline): Pathogenic. Review status: criteria provided, multiple submitters, no conflicts (2 of 4 stars). 2 submissions from 2 submitters: Pathogenic (2). Last evaluated 2025-03-24.

Conditions:
Sialidosis. Identifiers: Orphanet 309294, MedGen C0268226, MONDO:0017734.

gnomAD v4.1: 11 of 1,613,054 alleles (0.00068%); highest among the groups gnomAD compares: Non-Finnish European, 0.00093%; no homozygotes.

Submissions (2):

Labcorp Genetics (formerly Invitae), Labcorp
Classification: Pathogenic. Last evaluated: 2025-03-24. Review status: criteria provided, single submitter. Criteria: Invitae Variant Classification Sherloc (09022015). Collection method: clinical testing. Allele origin: germline.
Comment: This sequence change creates a premature translational stop signal (p.Trp15*) in the NEU1 gene. It is expected to result in an absent or disrupted protein product. Loss-of-function variants in NEU1 are known to be pathogenic (PMID: 11063730, 14517945). This variant is present in population databases (rs768711214, gnomAD 0.0009%). This premature translational stop signal has been observed in individual(s) with sialidosis (PMID: 15908988). ClinVar contains an entry for this variant (Variation ID: 631977). For these reasons, this variant has been classified as Pathogenic.

Women's Health and Genetics/Laboratory Corporation of America, LabCorp
Classification: Pathogenic for Sialidosis. Last evaluated: 2022-04-18. Review status: criteria provided, single submitter. Criteria: LabCorp Variant Classification Summary - May 2015. Collection method: clinical testing. Allele origin: germline.
Comment: Variant summary: NEU1 c.45G>A (p.Trp15X) results in a premature termination codon, predicted to cause a truncation of the encoded protein or absence of the protein due to nonsense mediated decay, which are commonly known mechanisms for disease. Truncations downstream of this position have been classified as pathogenic by our laboratory. The variant allele was found at a frequency of 4.1e-06 in 245416 control chromosomes. c.45G>A has been reported in the literature in at-least one individual affected with Sialidosis (example, Loren_2005). Two clinical diagnostic laboratories have submitted clinical-significance assessments for this variant to ClinVar after 2014 and one laboratory classified the variant as pathogenic. Based on the evidence outlined above, the variant was classified as pathogenic.

Literature cited by the submitters: PubMed 11063730 (cited by Labcorp Genetics (formerly Invitae), Labcorp); PubMed 14517945 (cited by Labcorp Genetics (formerly Invitae), Labcorp); PubMed 15908988 (cited by Labcorp Genetics (formerly Invitae), Labcorp and Women's Health and Genetics/Laboratory Corporation of America, LabCorp).